The following is an entry in ClinVar:

NM_000289.6(PFKM):c.1053del (p.Cys351fs)

Gene: PFKM (phosphofructokinase, muscle; plus strand). Cytogenetic location: 12q13.11.
Variant type: Deletion.
Coding change: c.1053del on transcript NM_000289.6 (MANE Select); coding-DNA position 1053, one base deleted (T; older notation c.1053delT).
Protein change: p.Cys351fs; shifts the reading frame from cysteine 351.
Molecular consequence: frameshift variant. On other transcripts: non-coding transcript variant (6), intron variant (1).
Genome position (GRCh38, 1-based): chr12:48,137,837, T deleted. VCF-style (leftmost placement, unchanged base first): chr12-48137836-GT-G. GRCh37 (hg19) VCF-style: chr12-48531619-GT-G.
Other names: c.1266del, p.Cys422fs (NM_001166686.2, NM_001354737.1, NM_001354738.1 and 1 more transcripts); c.1053del, p.Cys351fs (NM_001166687.2, NM_001166688.2, NM_001354742.2 and 2 more transcripts); c.1362del, p.Cys454fs (NM_001354735.1, NM_001354736.1); c.1197del, p.Cys399fs (NM_001354740.1); c.1077del, p.Cys359fs (NM_001354741.2); c.966del, p.Cys322fs (NM_001354745.2); c.903del, p.Cys301fs (NM_001354747.2, NM_001354748.2); c.960del, p.Cys320fs (NM_001363619.2); and 1 more; short protein forms C301fs, C454fs, C320fs, C351fs, C359fs, C399fs, C422fs, C322fs.
Identifiers: ClinVar variation 2018449 (VCV002018449.4), dbSNP rs2498458753, ClinGen allele CA2580085531.

ClinVar aggregate classification (germline): Pathogenic (1 of 4 stars; one submission).

Conditions:
Glycogen storage disease, type VII (GSD7). Also called: GSD VII; MUSCLE PHOSPHOFRUCTOKINASE DEFICIENCY; PFKM DEFICIENCY; TARUI DISEASE. Identifiers: Orphanet 371, MedGen C0017926, MONDO:0009295, OMIM 232800.

Submission:

Labcorp Genetics (formerly Invitae), Labcorp
Classification: Pathogenic for Glycogen storage disease, type VII. Last evaluated: 2022-08-31. Review status: criteria provided, single submitter. Criteria: Invitae Variant Classification Sherloc (09022015). Collection method: clinical testing. Allele origin: germline.
Comment: This sequence change creates a premature translational stop signal (p.Cys351Trpfs*4) in the PFKM gene. It is expected to result in an absent or disrupted protein product. Loss-of-function variants in PFKM are known to be pathogenic (PMID: 7825568, 8037209). For these reasons, this variant has been classified as Pathogenic. This variant has not been reported in the literature in individuals affected with PFKM-related conditions. This variant is not present in population databases (gnomAD no frequency).

Literature cited by the submitters: PubMed 7825568; PubMed 8037209.